The following is an entry in ClinVar:

NM_002907.4(RECQL):c.1574C>G (p.Ala525Gly)

Gene: RECQL (RecQ like helicase; minus strand). Cytogenetic location: 12p12.1.
Variant type: single nucleotide variant.
Coding change: c.1574C>G on transcript NM_002907.4 (MANE Select); coding-DNA position 1574, C replaced by G.
Protein change: p.Ala525Gly; replaces alanine 525 with glycine.
Molecular consequence: missense variant.
Genome position (GRCh38, 1-based): chr12:21,471,521, G>C on the plus strand (C>G on the coding strand, the complement: RECQL is on the minus strand). VCF-style: chr12-21471521-G-C. GRCh37 (hg19) VCF-style: chr12-21624455-G-C.
Other names: c.1574C>G, p.Ala525Gly (NM_032941.3); short protein forms A525G.
Identifiers: ClinVar variation 1775553 (VCV001775553.6), dbSNP rs1942963910, ClinGen allele CA384116117.

ClinVar aggregate classification (germline): Uncertain significance. Review status: criteria provided, multiple submitters, no conflicts (2 of 4 stars). 2 submissions from 2 submitters: Uncertain significance (2). Last evaluated 2024-04-25.

Allele frequency attached by ClinVar (database versions not stated): TOPMed below 0.00001.

Submissions (2):

Ambry Genetics
Classification: Uncertain significance. Last evaluated: 2024-04-25. Review status: criteria provided, single submitter. Criteria: Ambry Variant Classification Scheme 2023. Collection method: clinical testing. Allele origin: germline.
Comment: The p.A525G variant (also known as c.1574C>G), located in coding exon 12 of the RECQL gene, results from a C to G substitution at nucleotide position 1574. The alanine at codon 525 is replaced by glycine, an amino acid with similar properties. This amino acid position is conserved. In addition, this alteration is predicted to be tolerated by in silico analysis. Since supporting evidence is limited at this time, the clinical significance of this alteration remains unclear.

Labcorp Genetics (formerly Invitae), Labcorp
Classification: Uncertain significance. Last evaluated: 2023-12-18. Review status: criteria provided, single submitter. Criteria: Invitae Variant Classification Sherloc (09022015). Collection method: clinical testing. Allele origin: germline.
Comment: This sequence change replaces alanine, which is neutral and non-polar, with glycine, which is neutral and non-polar, at codon 525 of the RECQL protein (p.Ala525Gly). This variant is not present in population databases (gnomAD no frequency). This variant has not been reported in the literature in individuals affected with RECQL-related conditions. ClinVar contains an entry for this variant (Variation ID: 1775553). Advanced modeling of protein sequence and biophysical properties (such as structural, functional, and spatial information, amino acid conservation, physicochemical variation, residue mobility, and thermodynamic stability) performed at Invitae indicates that this missense variant is not expected to disrupt RECQL protein function with a negative predictive value of 80%. In summary, the available evidence is currently insufficient to determine the role of this variant in disease. Therefore, it has been classified as a Variant of Uncertain Significance.